The following is an entry in ClinVar:

NM_000155.4(GALT):c.957C>G (p.His319Gln)

Gene: GALT (galactose-1-phosphate uridylyltransferase; plus strand). Cytogenetic location: 9p13.3.
Variant type: single nucleotide variant.
Coding change: c.957C>G on transcript NM_000155.4 (MANE Select); coding-DNA position 957, C replaced by G.
Protein change: p.His319Gln; replaces histidine 319 with glutamine.
Molecular consequence: missense variant.
Genome position (GRCh38, 1-based): chr9:34,649,462, C>G. VCF-style: chr9-34649462-C-G. GRCh37 (hg19) VCF-style: chr9-34649459-C-G.
Other names: c.630C>G, p.His210Gln (NM_001258332.2); short protein forms H210Q, H319Q.
Identifiers: ClinVar variation 1324452 (VCV001324452.13), dbSNP rs111033792, ClinGen allele CA373284878.
Genomic context (GRCh38, chr9:34,649,462, plus strand): 5'-TCTGTCAGGGGCTCCCACAGGATCAGAGGCTGGGGCCAACTGGAACCATTGGCAGCTGCA[C>G]GCTCATTACTACCCTCCGCTCCTGCGCTCTGCCACTGTCCGGAAATTCATGGTTGGCTAC-3'
Protein context (NP_000146.2, residues 309-329): AGANWNHWQL[His319Gln]AHYYPPLLRS

ClinVar aggregate classification (germline): Pathogenic/Likely pathogenic. Review status: criteria provided, multiple submitters, no conflicts (2 of 4 stars). 3 submissions from 3 submitters: Pathogenic (2); Likely pathogenic (1). Last evaluated 2025-04-24.

Conditions:
Deficiency of UDPglucose-hexose-1-phosphate uridylyltransferase. Also called: GALT deficiency; Galactosemia, classic; GALACTOSEMIA I; GALACTOSE-1-PHOSPHATE URIDYLYLTRANSFERASE DEFICIENCY; Transferase Deficiency Galactosemia. Identifiers: Orphanet 352, Orphanet 79239, MedGen C0268151, MONDO:0009258, OMIM 230400.

gnomAD v4.1: 1 of 1,614,158 alleles (0.000062%); highest among the groups gnomAD compares: Non-Finnish European, 0.000085%; no homozygotes.

Submissions (3):

3billion
Classification: Pathogenic for Deficiency of UDPglucose-hexose-1-phosphate uridylyltransferase. Last evaluated: 2025-04-24. Review status: criteria provided, single submitter. Criteria: ACMG Guidelines, 2015. Collection method: clinical testing. Allele origin: germline. Affected: yes.
Comment: The variant is observed at an extremely low frequency in the gnomAD v4.1.0 dataset (total allele frequency: <0.001%). Predicted Consequence/Location: Missense variant Functional studies provide supporting evidence of the variant having a damaging effect on the gene or gene product (PMID: 8499924). In silico tool predictions suggest damaging effect of the variant on gene or gene product [REVEL: 0.94 (>=0.6, sensitivity 0.68 and specificity 0.92); 3Cnet: 0.99 (> 0.75, sensitivity 0.96 and precision 0.92)]. The same nucleotide change resulting in the same amino acid change has been previously reported as pathogenic/likely pathogenic with strong evidence (ClinVar ID: VCV001324452 / PMID: 2233247 / 3billion dataset). The variant has been reported to be in trans with a pathogenic variant as either compound heterozygous or homozygous in at least 2 similarly affected unrelated individuals (PMID: 23022339, 25268296). A different missense change at the same codon (p.His319Pro) has been reported to be associated with GALT-related disorder (PMID: 30231941). Therefore, this variant is classified as Pathogenic according to the recommendation of ACMG/AMP guideline.

Labcorp Genetics (formerly Invitae), Labcorp
Classification: Pathogenic for Deficiency of UDPglucose-hexose-1-phosphate uridylyltransferase. Last evaluated: 2021-04-23. Review status: criteria provided, single submitter. Criteria: Invitae Variant Classification Sherloc (09022015). Collection method: clinical testing. Allele origin: germline.
Comment: For these reasons, this variant has been classified as Pathogenic. Advanced modeling of protein sequence and biophysical properties (such as structural, functional, and spatial information, amino acid conservation, physicochemical variation, residue mobility, and thermodynamic stability) performed at Invitae indicates that this missense variant is expected to disrupt GALT protein function. This missense change has been observed in individual(s) with galactosemia (PMID: 22944367, 23022339, 25268296). This variant is not present in population databases (ExAC no frequency). This sequence change replaces histidine with glutamine at codon 319 of the GALT protein (p.His319Gln). The histidine residue is highly conserved and there is a small physicochemical difference between histidine and glutamine.

Revvity Omics, Revvity
Classification: Likely pathogenic for Deficiency of UDPglucose-hexose-1-phosphate uridylyltransferase. Last evaluated: 2019-03-27. Review status: criteria provided, single submitter. Criteria: ACMG Guidelines, 2015. Collection method: clinical testing. Allele origin: germline.

Literature cited by the submitters: PubMed 8499924 (cited by 3billion); PubMed 2233247 (cited by 3billion); PubMed 30231941 (cited by 3billion); PubMed 23022339 (cited by 3billion and Labcorp Genetics (formerly Invitae), Labcorp); PubMed 25268296 (cited by 3billion and Labcorp Genetics (formerly Invitae), Labcorp); PubMed 22944367 (cited by Labcorp Genetics (formerly Invitae), Labcorp).